The following is an entry in ClinVar:

ClinVar aggregate classification (germline): Uncertain significance (1 of 4 stars; one submission).

Conditions:
Long QT syndrome (LQTS). Identifiers: MedGen C0023976, MeSH D008133, MONDO:0002442. Disease mechanism: loss of function. Inheritance: Various modes of inheritance.

Submission:

Labcorp Genetics (formerly Invitae), Labcorp
Classification: Uncertain significance for Long QT syndrome. Last evaluated: 2023-05-05. Review status: criteria provided, single submitter. Criteria: Invitae Variant Classification Sherloc (09022015). Collection method: clinical testing. Allele origin: germline.
Comment: This sequence change replaces valine, which is neutral and non-polar, with phenylalanine, which is neutral and non-polar, at codon 555 of the CACNA1C protein (p.Val555Phe). This variant is not present in population databases (gnomAD no frequency). This variant has not been reported in the literature in individuals affected with CACNA1C-related conditions. Advanced modeling of protein sequence and biophysical properties (such as structural, functional, and spatial information, amino acid conservation, physicochemical variation, residue mobility, and thermodynamic stability) performed at Invitae indicates that this missense variant is not expected to disrupt CACNA1C protein function. In summary, the available evidence is currently insufficient to determine the role of this variant in disease. Therefore, it has been classified as a Variant of Uncertain Significance.

NM_000719.7(CACNA1C):c.1663G>T (p.Val555Phe)

Gene: CACNA1C (calcium voltage-gated channel subunit alpha1 C; plus strand). Cytogenetic location: 12p13.33.
Variant type: single nucleotide variant.
Coding change: c.1663G>T on transcript NM_000719.7 (MANE Select); coding-DNA position 1663, G replaced by T.
Protein change: p.Val555Phe; replaces valine 555 with phenylalanine.
Molecular consequence: missense variant.
Genome position (GRCh38, 1-based): chr12:2,566,576, G>T. VCF-style: chr12-2566576-G-T. GRCh37 (hg19) VCF-style: chr12-2675742-G-T.
Other names: c.1663G>T, p.Val555Phe (NM_001129827.2, NM_001129829.2, NM_001129830.3 and 18 more transcripts); c.1654G>T, p.Val552Phe (NM_001129844.2); short protein forms V552F, V555F.
Identifiers: ClinVar variation 2998492 (VCV002998492.3), dbSNP rs2051000481, ClinGen allele CA383368725.
Genomic context (GRCh38, chr12:2,566,576, plus strand): 5'-TTCCTCAACACGCTCACCATTGCCTCTGAGCACTACAACCAGCCCAACTGGCTCACAGAA[G>T]TCCAAGGTGAGCGGCGGCCCCAGCTCTGCTCTGGTTTCCTCCTGGTAACTCAGCCCCAAG-3'
Protein context (NP_000710.5, residues 545-565): HYNQPNWLTE[Val555Phe]QDTANKALLA